The following is an entry in ClinVar:

NM_019077.3(UGT1A7):c.828C>A (p.Asn276Lys)

Genes: UGT1A7 (UDP glucuronosyltransferase family 1 member A7; plus strand), UGT1A8 (UDP glucuronosyltransferase family 1 member A8; plus strand), UGT1A9 (UDP glucuronosyltransferase family 1 member A9; plus strand), UGT1A10 (UDP glucuronosyltransferase family 1 member A10; plus strand), UGT1A (UDP glucuronosyltransferase family 1 member A complex locus; plus strand). Cytogenetic location: 2q37.1.
Variant type: single nucleotide variant.
Coding change: c.828C>A on transcript NM_019077.3 (MANE Select); coding-DNA position 828, C replaced by A.
Protein change: p.Asn276Lys; replaces asparagine 276 with lysine.
Molecular consequence: missense variant. On other transcripts: intron variant (3).
Genome position (GRCh38, 1-based): chr2:233,682,765, C>A. VCF-style: chr2-233682765-C-A. GRCh37 (hg19) VCF-style: chr2-234591411-C-A.
Other names: c.855+64203C>A (NM_019076.5); c.855+45388C>A (NM_019075.4); c.855+9976C>A (NM_021027.3); short protein forms N276K.
Identifiers: ClinVar variation 618469 (VCV000618469.15), dbSNP rs141393523, ClinGen allele CA2178376.

ClinVar aggregate classification (germline): Uncertain significance (1 of 4 stars; one submission).

Allele frequency attached by ClinVar (database versions not stated): 1000 Genomes Project 30x 0.00016; 1000 Genomes Project 0.00020; ESP Exome Variant Server 0.00231; TOPMed 0.00242; gnomAD 0.00172.
gnomAD v4.1: 5,647 of 1,613,716 alleles (0.35%); highest among the groups gnomAD compares: Non-Finnish European, 0.44%; 18 homozygotes.

Submission:

ARUP Laboratories, Molecular Genetics and Genomics, ARUP Laboratories
Classification: Uncertain significance. Last evaluated: 2025-03-05. Review status: criteria provided, single submitter. Criteria: ARUP Molecular Germline Variant Investigation Process 2024. Collection method: clinical testing. Allele origin: germline.
Comment: The UGT1A7 c.828C>A; p.Asn276Lys variant (rs141393523), to our knowledge, is not reported in the medical literature but is reported in ClinVar (Variation ID: 618469). This variant is found predominantly in the non-Finnish European population with an allele frequency of 0.4% (5243/1 179,658 alleles, including 17 homozygotes) in the Genome Aggregation Database (v4.1.0). Computational analyses are uncertain whether this variant is neutral or deleterious (REVEL: 0.29). While the high population frequency suggests that this is likely a benign variant, given the lack of clinical and functional data, the significance of this variant is uncertain at this time.